The following is an entry in ClinVar:

NM_001083926.2(ASRGL1):c.462A>C (p.Glu154Asp)

Gene: ASRGL1 (asparaginase and isoaspartyl peptidase 1; plus strand). Cytogenetic location: 11q12.3.
Variant type: single nucleotide variant.
Coding change: c.462A>C on transcript NM_001083926.2 (MANE Select); coding-DNA position 462, A replaced by C.
Protein change: p.Glu154Asp; replaces glutamic acid 154 with aspartic acid.
Molecular consequence: missense variant.
Genome position (GRCh38, 1-based): chr11:62,357,115, A>C. VCF-style: chr11-62357115-A-C. GRCh37 (hg19) VCF-style: chr11-62124587-A-C.
Other names: c.462A>C, p.Glu154Asp (NM_025080.4); short protein forms E154D.
Identifiers: ClinVar variation 957666 (VCV000957666.10), dbSNP rs749655327, ClinGen allele CA6043201.

ClinVar aggregate classification (germline): Uncertain significance. Review status: criteria provided, multiple submitters, no conflicts (2 of 4 stars). 2 submissions from 2 submitters: Uncertain significance (2). Last evaluated 2022-10-06.

Allele frequency attached by ClinVar (database versions not stated): TOPMed below 0.00001; gnomAD 0.00001; ExAC 0.00002; gnomAD exomes 0.00003.
gnomAD v4.1: 39 of 1,613,846 alleles (0.0024%); highest among the groups gnomAD compares: Non-Finnish European, 0.0031%; no homozygotes.

Submissions (2):

Ambry Genetics
Classification: Uncertain significance. Last evaluated: 2022-10-06. Review status: criteria provided, single submitter. Criteria: Ambry Variant Classification Scheme 2023. Collection method: clinical testing. Allele origin: germline.

Labcorp Genetics (formerly Invitae), Labcorp
Classification: Uncertain significance. Last evaluated: 2022-08-16. Review status: criteria provided, single submitter. Criteria: Invitae Variant Classification Sherloc (09022015). Collection method: clinical testing. Allele origin: germline.
Comment: This variant has not been reported in the literature in individuals affected with ASRGL1-related conditions. In summary, the available evidence is currently insufficient to determine the role of this variant in disease. Therefore, it has been classified as a Variant of Uncertain Significance. Algorithms developed to predict the effect of missense changes on protein structure and function (SIFT, PolyPhen-2, Align-GVGD) all suggest that this variant is likely to be tolerated. ClinVar contains an entry for this variant (Variation ID: 957666). This variant is present in population databases (rs749655327, gnomAD 0.004%). This sequence change replaces glutamic acid, which is acidic and polar, with aspartic acid, which is acidic and polar, at codon 154 of the ASRGL1 protein (p.Glu154Asp).